The following is an entry in ClinVar:

ClinVar aggregate classification (germline): Pathogenic. Review status: criteria provided, multiple submitters, no conflicts (2 of 4 stars). 2 submissions from 2 submitters: Pathogenic (2). Last evaluated 2023-09-06.

Conditions:
Hereditary cancer-predisposing syndrome. Also called: Neoplastic Syndromes, Hereditary; Tumor predisposition; Hereditary Cancer Syndrome; Hereditary neoplastic syndrome. Identifiers: Orphanet 140162, MedGen C0027672, MeSH D009386, MONDO:0015356.
Familial cancer of breast. Also called: BREAST CANCER, FAMILIAL; Hereditary breast cancer; hereditary breast carcinoma. Identifiers: Orphanet 227535, MedGen C0346153, MONDO:0016419, OMIM 114480. Disease mechanism: loss of function.

Submissions (2):

Myriad Genetics, Inc.
Classification: Pathogenic for Familial cancer of breast. Last evaluated: 2023-09-06. Review status: criteria provided, single submitter. Criteria: Myriad Autosomal Dominant, Autosomal Recessive and X-Linked Classification Criteria (2023). Collection method: clinical testing. Allele origin: unknown.
Comment: This variant is considered pathogenic. This variant creates a frameshift predicted to result in premature protein truncation.

Ambry Genetics
Classification: Pathogenic for Hereditary cancer-predisposing syndrome. Last evaluated: 2021-03-08. Review status: criteria provided, single submitter. Criteria: Ambry Variant Classification Scheme 2023. Collection method: clinical testing. Allele origin: germline.
Comment: The c.306delT pathogenic mutation, located in coding exon 4 of the PALB2 gene, results from a deletion of one nucleotide at nucleotide position 306, causing a translational frameshift with a predicted alternate stop codon (p.P104Lfs*73). This alteration is expected to result in loss of function by premature protein truncation or nonsense-mediated mRNA decay. As such, this alteration is interpreted as a disease-causing mutation.

NM_024675.4(PALB2):c.306del (p.Pro104fs)

Gene: PALB2 (partner and localizer of BRCA2; minus strand). Cytogenetic location: 16p12.2.
Variant type: Deletion.
Coding change: c.306del on transcript NM_024675.4 (MANE Select); coding-DNA position 306, one base deleted (T; older notation c.306delT).
Protein change: p.Pro104fs; shifts the reading frame from proline 104.
Molecular consequence: frameshift variant.
Genome position (GRCh38, 1-based): chr16:23,636,240, A deleted on the plus strand (T on the coding strand, the reverse complement: PALB2 is on the minus strand); the first of 2 consecutive A bases (chr16:23,636,240-23,636,241); deleting either gives the same sequence. VCF-style (leftmost placement, unchanged base first): chr16-23636239-CA-C. GRCh37 (hg19) VCF-style: chr16-23647560-CA-C.
Other names: c.245delT, p.Pro84Leufs (NM_001407296.1); c.305delT, p.Pro104Leufs (NM_001407297.1, NM_001407298.1, NM_001407299.1 and 3 more transcripts); c.-581delT (NM_001407304.1, NM_001407305.1, NM_001407306.1 and 5 more transcripts); c.306delT (NM_024675.3); short protein forms P104fs.
Identifiers: ClinVar variation 1799475 (VCV001799475.3), dbSNP rs2506516970, ClinGen allele CA2580091371.